The following is an entry in ClinVar:

ClinVar aggregate classification (germline): Benign/Likely benign. Review status: criteria provided, multiple submitters, no conflicts (2 of 4 stars). 3 submissions from 3 submitters: Benign (1); Likely benign (1). 1 of the submissions does not count toward it. Last evaluated 2025-06-04.

Conditions:
KMT2D-related disorder. Also called: KMT2D-Related Disorders.
Kabuki syndrome. Also called: Kabuki make-up syndrome; NIIKAWA-KUROKI SYNDROME. Identifiers: Orphanet 2322, MedGen C0796004, MONDO:0016512.

Allele frequency attached by ClinVar (database versions not stated): TOPMed 0.00002; gnomAD 0.00004 and 0.00006; gnomAD exomes 0.00007 and 0.00014; ExAC 0.00017.
gnomAD v4.1: 108 of 1,603,592 alleles (0.0067%); highest among the groups gnomAD compares: South Asian, 0.059%; no homozygotes.

Submissions (4):

Labcorp Genetics (formerly Invitae), Labcorp
Classification: Benign for Kabuki syndrome. Last evaluated: 2025-06-04. Review status: criteria provided, single submitter. Criteria: Invitae Variant Classification Sherloc (09022015). Collection method: clinical testing. Allele origin: germline.

Blueprint Genetics
Classification: Likely benign. Last evaluated: 2023-09-25. Review status: criteria provided, single submitter. Criteria: ACMG Guidelines, 2015. Collection method: clinical testing. Allele origin: germline.

PreventionGenetics, part of Exact Sciences
Classification: Likely benign for KMT2D-related condition. Last evaluated: 2023-02-21. Review status: no assertion criteria provided. Collection method: clinical testing. Allele origin: germline. Not counted in ClinVar's aggregate classification.
Comment: This variant is classified as likely benign based on ACMG/AMP sequence variant interpretation guidelines (Richards et al. 2015 PMID: 25741868, with internal and published modifications).

Dr. Peter K. Rogan Lab, Western University
No classification provided (evidence only). Condition: Ovarian serous cystadenocarcinoma. Review status: no classification provided. Collection method: in vitro. Allele origin: not applicable. Functional consequence: retained intron. Not counted in ClinVar's aggregate classification.

NM_003482.4(KMT2D):c.9399A>G (p.Gln3133=)

Gene: KMT2D (lysine methyltransferase 2D; minus strand). Cytogenetic location: 12q13.12.
Variant type: single nucleotide variant.
Coding change: c.9399A>G on transcript NM_003482.4 (MANE Select); coding-DNA position 9399, A replaced by G.
Protein change: p.Gln3133=; no amino-acid change (glutamine 3133 retained).
Molecular consequence: synonymous variant.
Genome position (GRCh38, 1-based): chr12:49,037,957, T>C on the plus strand (A>G on the coding strand, the complement: KMT2D is on the minus strand). VCF-style: chr12-49037957-T-C. GRCh37 (hg19) VCF-style: chr12-49431740-T-C.
Other names: c.9399A>G (NM_003482.3).
Identifiers: ClinVar variation 1664736 (VCV001664736.13), dbSNP rs755154605, ClinGen allele CA6546699.